The following is an entry in ClinVar:

ClinVar aggregate classification (germline): Likely pathogenic (1 of 4 stars; one submission).

Conditions:
Autosomal recessive limb-girdle muscular dystrophy type 2J (LGMDR10). Also called: Limb-girdle muscular dystrophy, type 2J; MUSCULAR DYSTROPHY, LIMB-GIRDLE, AUTOSOMAL RECESSIVE 10. Identifiers: Orphanet 140922, MedGen C1837342, MONDO:0012127, OMIM 608807.
Dilated cardiomyopathy 1G (CMD1G). Identifiers: Orphanet 154, MedGen C1858763, MONDO:0011400, OMIM 604145.

Submission:

Labcorp Genetics (formerly Invitae), Labcorp
Classification: Likely pathogenic for Dilated cardiomyopathy 1G; Autosomal recessive limb-girdle muscular dystrophy type 2J. Last evaluated: 2025-12-03. Review status: criteria provided, single submitter. Criteria: Invitae Variant Classification Sherloc (09022015). Collection method: clinical testing. Allele origin: germline.
Comment: This sequence change creates a premature translational stop signal (p.Arg29340Lysfs*61) in the TTN gene. While this is not anticipated to result in nonsense mediated decay, it is expected to create a truncated TTN protein. This variant is not present in population databases (gnomAD no frequency). This variant has not been reported in the literature in individuals affected with TTN-related conditions. This variant is located in the A band of TTN (PMID: 25589632). Truncating variants in this region are significantly overrepresented in patients affected with dilated cardiomyopathy (PMID: 25589632). Truncating variants in this region have also been reported in individuals affected with autosomal recessive centronuclear myopathy (PMID: 23975875). In summary, the currently available evidence indicates that the variant is pathogenic, but additional data are needed to prove that conclusively. Therefore, this variant has been classified as Likely Pathogenic.

Literature cited by the submitters: PubMed 25589632; PubMed 23975875.

NM_001267550.2(TTN):c.88019del (p.Arg29340fs)

Genes: TTN (titin; minus strand), TTN-AS1 (TTN antisense RNA 1; plus strand). Cytogenetic location: 2q31.2.
Variant type: Deletion.
Coding change: c.88019del on transcript NM_001267550.2 (MANE Select); coding-DNA position 88019, one base deleted (G; older notation c.88019delG).
Protein change: p.Arg29340fs; shifts the reading frame from arginine 29340.
Molecular consequence: frameshift variant.
Genome position (GRCh38, 1-based): chr2:178,557,135, C deleted on the plus strand (G on the coding strand, the reverse complement: TTN is on the minus strand). VCF-style (leftmost placement, unchanged base first): chr2-178557134-TC-T. GRCh37 (hg19) VCF-style: chr2-179421861-TC-T.
Other names: c.83096del, p.Arg27699fs (NM_001256850.1); c.60824del, p.Arg20275fs (NM_003319.4); c.80315del, p.Arg26772fs (NM_133378.4); c.61199del, p.Arg20400fs (NM_133432.3); c.61400del, p.Arg20467fs (NM_133437.4); short protein forms R20275fs, R29340fs, R20467fs, R26772fs, R27699fs, R20400fs.
Identifiers: ClinVar variation 4786910 (VCV004786910.1).
Genomic context (GRCh38, chr2:178,557,134, plus strand): 5'-AGCTGGTTGTTGCCATGAAAGGCTGACAGAGTTCTTTGAAATATCAGTGATACGAACATT[TC>T]TTGGGGGTTCTGTGGTAATAAGAGAAGCAGATTAGCGGCACTTATAATATTTTGCTTCGC-3'